The following is an entry in ClinVar:

ClinVar aggregate classification (germline): Uncertain significance (1 of 4 stars; one submission).

Conditions:
Cowden syndrome 6 (CWS6). Identifiers: Orphanet 201, MedGen C3554519, MONDO:0014048, OMIM 615109.

Allele frequency attached by ClinVar (database versions not stated): ExAC 0.00002; gnomAD exomes 0.00002 and 0.00003; gnomAD 0.00003; TOPMed 0.00003.
gnomAD v4.1: 47 of 1,614,016 alleles (0.0029%); highest among the groups gnomAD compares: Non-Finnish European, 0.0036%; no homozygotes.

Submission:

Labcorp Genetics (formerly Invitae), Labcorp
Classification: Uncertain significance for Cowden syndrome 6. Last evaluated: 2023-05-25. Review status: criteria provided, single submitter. Criteria: Invitae Variant Classification Sherloc (09022015). Collection method: clinical testing. Allele origin: germline.
Comment: Algorithms developed to predict the effect of missense changes on protein structure and function output the following: SIFT: "Not Available"; PolyPhen-2: "Benign"; Align-GVGD: "Not Available". The isoleucine amino acid residue is found in multiple mammalian species, which suggests that this missense change does not adversely affect protein function. ClinVar contains an entry for this variant (Variation ID: 1362051). In summary, the available evidence is currently insufficient to determine the role of this variant in disease. Therefore, it has been classified as a Variant of Uncertain Significance. This sequence change replaces methionine, which is neutral and non-polar, with isoleucine, which is neutral and non-polar, at codon 446 of the AKT1 protein (p.Met446Ile). This variant is present in population databases (rs751976958, gnomAD 0.005%). This variant has not been reported in the literature in individuals affected with AKT1-related conditions.

NM_001382430.1(AKT1):c.1338G>T (p.Met446Ile)

Gene: AKT1 (AKT serine/threonine kinase 1; minus strand). Cytogenetic location: 14q32.33.
Variant type: single nucleotide variant.
Coding change: c.1338G>T on transcript NM_001382430.1 (MANE Select); coding-DNA position 1338, G replaced by T.
Protein change: p.Met446Ile; replaces methionine 446 with isoleucine.
Molecular consequence: missense variant.
Genome position (GRCh38, 1-based): chr14:104,770,770, C>A on the plus strand (G>T on the coding strand, the complement: AKT1 is on the minus strand). VCF-style: chr14-104770770-C-A. GRCh37 (hg19) VCF-style: chr14-105237107-C-A.
Other names: c.1338G>T, p.Met446Ile (NM_001014431.2, NM_001014432.2, NM_001382431.1 and 3 more transcripts); short protein forms M446I.
Identifiers: ClinVar variation 1362051 (VCV001362051.6), dbSNP rs751976958, ClinGen allele CA7374474.